The following is an entry in ClinVar:

NM_001171.6(ABCC6):c.1484T>A (p.Leu495His)

Gene: ABCC6 (ATP binding cassette subfamily C member 6; minus strand). Cytogenetic location: 16p13.11.
Variant type: single nucleotide variant.
Coding change: c.1484T>A on transcript NM_001171.6 (MANE Select); coding-DNA position 1484, T replaced by A.
Protein change: p.Leu495His; replaces leucine 495 with histidine.
Molecular consequence: missense variant. On other transcripts: non-coding transcript variant (1).
Genome position (GRCh38, 1-based): chr16:16,190,315, A>T on the plus strand (T>A on the coding strand, the complement: ABCC6 is on the minus strand). VCF-style: chr16-16190315-A-T. GRCh37 (hg19) VCF-style: chr16-16284172-A-T.
Other names: c.1142T>A, p.Leu381His (NM_001351800.1); short protein forms L495H, L381H.
Identifiers: ClinVar variation 433233 (VCV000433233.8), dbSNP rs72653769, ClinGen allele CA7926287.
Genomic context (GRCh38, chr16:16,190,315, plus strand): 5'-AGGACTCTGTCCAGAAAGGCTCCCTCCCAGCCATGGAACTTGATGGTCTTCGAGTTCCTG[A>T]GGATAGAGCTGGTGAGCCGTGCCCGTGAGTCCTTCTGCCTCATTTGCTCCTCCTGGGATC-3'
Protein context (NP_001162.5, residues 485-505): DSRARLTSSI[Leu495His]RNSKTIKFHG

ClinVar aggregate classification (germline): Pathogenic/Likely pathogenic. Review status: criteria provided, multiple submitters, no conflicts (2 of 4 stars). 3 submissions from 3 submitters: Pathogenic (1); Likely pathogenic (1). 1 of the submissions does not count toward it. Last evaluated 2024-10-08.

Conditions:
ABCC6-related disorder. Also called: ABCC6-related condition.
Autosomal recessive inherited pseudoxanthoma elasticum (PXE). Identifiers: Orphanet 758, MedGen CN032334, MONDO:0009925, OMIM 264800.

Allele frequency attached by ClinVar (database versions not stated): ExAC 0.00001; gnomAD exomes 0.00001.
gnomAD v4.1: 18 of 1,614,136 alleles (0.0011%); highest among the groups gnomAD compares: Non-Finnish European, 0.0014%; no homozygotes.

Submissions (3):

Labcorp Genetics (formerly Invitae), Labcorp
Classification: Pathogenic. Last evaluated: 2024-10-08. Review status: criteria provided, single submitter. Criteria: Invitae Variant Classification Sherloc (09022015). Collection method: clinical testing. Allele origin: germline.
Comment: This sequence change replaces leucine, which is neutral and non-polar, with histidine, which is basic and polar, at codon 495 of the ABCC6 protein (p.Leu495His). This variant is present in population databases (rs72653769, gnomAD 0.002%). This missense change has been observed in individuals with pseudoxanthoma elasticum (PMID: 16086317, 18513494, 32873932). ClinVar contains an entry for this variant (Variation ID: 433233). Invitae Evidence Modeling of protein sequence and biophysical properties (such as structural, functional, and spatial information, amino acid conservation, physicochemical variation, residue mobility, and thermodynamic stability) indicates that this missense variant is expected to disrupt ABCC6 protein function with a positive predictive value of 95%. For these reasons, this variant has been classified as Pathogenic.

PreventionGenetics, part of Exact Sciences
Classification: Likely pathogenic for ABCC6-related condition. Last evaluated: 2023-06-01. Review status: criteria provided, single submitter. Criteria: ACMG Guidelines, 2015. Collection method: clinical testing. Allele origin: germline.
Comment: The ABCC6 c.1484T>A variant is predicted to result in the amino acid substitution p.Leu495His. This variant has been reported in the homozygous and compound heterozygous state individuals with pseudoxanthoma elasticum (Table 1, Miksch et al. 2005. PubMed ID: 16086317; Tables 1 and S1, Boraldi et al. 2021. PubMed ID: 34205333; Table S1, Saeidian et al. 2021. PubMed ID: 34906475; Table 1, Garcia-Fernandez et al. 2008. PubMed ID: 18513494). This variant is reported in 0.0018% of alleles in individuals of European (Non-Finnish) descent in gnomAD. This variant is interpreted as likely pathogenic.

PXE International
Classification: Likely pathogenic for Autosomal recessive inherited pseudoxanthoma elasticum. Last evaluated: 2021-03-01. Review status: no assertion criteria provided. Collection method: research. Allele origin: germline. Inheritance: Autosomal recessive inheritance. Affected: yes. Observed: 2 variant alleles. Not counted in ClinVar's aggregate classification.

Literature cited by the submitters: PubMed 16086317 (cited by Labcorp Genetics (formerly Invitae), Labcorp); PubMed 18513494 (cited by Labcorp Genetics (formerly Invitae), Labcorp); PubMed 32873932 (cited by Labcorp Genetics (formerly Invitae), Labcorp and PXE International).